The following is an entry in ClinVar:

ClinVar aggregate classification (germline): Likely benign (0 of 4 stars; one submission).

Conditions:
SIM1-related disorder. Also called: SIM1-related condition; SIM1-related disorders.

Submission:

PreventionGenetics, part of Exact Sciences
Classification: Likely benign for SIM1-related condition. Last evaluated: 2024-07-10. Review status: no assertion criteria provided. Collection method: clinical testing. Allele origin: germline.
Comment: This variant is classified as likely benign based on ACMG/AMP sequence variant interpretation guidelines (Richards et al. 2015 PMID: 25741868, with internal and published modifications).

NM_005068.3(SIM1):c.1571-3del

Gene: SIM1 (SIM bHLH transcription factor 1; minus strand). Cytogenetic location: 6q16.3.
Variant type: Deletion.
Coding change: c.1571-3del on transcript NM_005068.3 (MANE Select); 3 bases into the intron before coding-DNA position 1571, one base deleted (T; older notation c.1571-3delT).
Molecular consequence: intron variant.
Genome position (GRCh38, 1-based): chr6:100,391,094, A deleted on the plus strand (T on the coding strand, the reverse complement: SIM1 is on the minus strand); the first of 5 consecutive A bases (chr6:100,391,094-100,391,098); deleting any one gives the same sequence. VCF-style (leftmost placement, unchanged base first): chr6-100391093-TA-T. GRCh37 (hg19) VCF-style: chr6-100838969-TA-T.
Other names: c.1571-3del (NM_001374769.1).
Identifiers: ClinVar variation 3357203 (VCV003357203.1).